The following is an entry in ClinVar:

NM_006915.3(RP2):c.416_417del (p.Ser139fs)

Gene: RP2 (RP2 activator of ARL3 GTPase; plus strand). Cytogenetic location: Xp11.3.
Variant type: Deletion.
Coding change: c.416_417del on transcript NM_006915.3 (MANE Select); coding-DNA positions 416 to 417, 2 bases deleted (CT; older notation c.416_417delCT).
Protein change: p.Ser139fs; shifts the reading frame from serine 139.
Molecular consequence: frameshift variant.
Genome position (GRCh38, 1-based): chrX:46,853,789-46,853,790, CT deleted; deleting any 2 consecutive bases within chrX:46,853,788-46,853,790 gives the same sequence; the c. name uses the placement nearest the transcript's 3' end. VCF-style (leftmost placement, unchanged base first): chrX-46853787-GTC-G. GRCh37 (hg19) VCF-style: chrX-46713222-GTC-G.
Other names: c.415_416del (NM_006915.3); short protein forms S139fs.
Identifiers: ClinVar variation 3767342 (VCV003767342.2).

ClinVar aggregate classification (germline): Likely pathogenic. Review status: criteria provided, single submitter (1 of 4 stars). 2 submissions from 2 submitters: Likely pathogenic (1). 1 of the submissions does not count toward it. Last evaluated 2025-02-05.

Conditions:
Rod-cone dystrophy. Identifiers: MedGen C4551714, HP:0000510.
Retinitis pigmentosa 2 (RP2). Also called: Retinitis pigmentosa 2, X linked. Identifiers: Orphanet 791, MedGen C2681923, MONDO:0010723, OMIM 312600.

Submissions (2):

SingHealth Duke-NUS Institute of Precision Medicine
Classification: Likely pathogenic for Retinitis pigmentosa 2. Last evaluated: 2025-02-05. Review status: criteria provided, single submitter. Criteria: PRISM ACMG Classification Criteria. Collection method: clinical testing. Allele origin: germline. Affected: yes.
Comment: Variant is predicted to cause nonsense-mediated decay in a gene where LOF is a known cause of pathogenicity (PVS1). Variant is not found in gnomAD genomes and exomes (PM2).

Centre for Vision Research, Duke-NUS Medical School
Classification: Likely pathogenic for Rod-cone dystrophy. Last evaluated: 2026-09-04. Review status: no assertion criteria provided. Collection method: clinical testing. Allele origin: germline. Affected: yes. Observed: 1 variant allele. Not counted in ClinVar's aggregate classification.
Comment: The 2bp deletion is predicted to cause a frameshift and early stop codon, truncating the protein at AA 153.